The following is an entry in ClinVar:

NM_001001888.4(VCX3B):c.393G>A (p.Glu131=)

Gene: VCX3B (variable charge X-linked 3B; plus strand). Cytogenetic location: Xp22.31.
Variant type: single nucleotide variant.
Coding change: c.393G>A on transcript NM_001001888.4 (MANE Select); coding-DNA position 393, G replaced by A.
Protein change: p.Glu131=; no amino-acid change (glutamic acid 131 retained).
Molecular consequence: synonymous variant.
Genome position (GRCh38, 1-based): chrX:8,466,035, G>A. VCF-style: chrX-8466035-G-A. GRCh37 (hg19) VCF-style: chrX-8434076-G-A.
Identifiers: ClinVar variation 4083869 (VCV004083869.8).

ClinVar aggregate classification (germline): Likely benign (1 of 4 stars; one submission).

Submission:

CeGaT Center for Human Genetics Tuebingen
Classification: Likely benign. Last evaluated: 2025-11-01. Review status: criteria provided, single submitter. Criteria: CeGaT Center For Human Genetics Tuebingen Variant Classification Criteria Version 2. Collection method: clinical testing. Allele origin: germline. Affected: yes. Observed: 3 variant alleles.
Comment: VCX3B: BP4, BP7